The following is an entry in ClinVar:

NM_001363711.2(DUOX2):c.2652G>A (p.Met884Ile)

Gene: DUOX2 (dual oxidase 2; minus strand). Cytogenetic location: 15q21.1.
Variant type: single nucleotide variant.
Coding change: c.2652G>A on transcript NM_001363711.2 (MANE Select); coding-DNA position 2652, G replaced by A.
Protein change: p.Met884Ile; replaces methionine 884 with isoleucine.
Molecular consequence: missense variant.
Genome position (GRCh38, 1-based): chr15:45,103,962, C>T on the plus strand (G>A on the coding strand, the complement: DUOX2 is on the minus strand). VCF-style: chr15-45103962-C-T. GRCh37 (hg19) VCF-style: chr15-45396160-C-T.
Other names: c.2652G>A, p.Met884Ile (NM_014080.5); short protein forms M884I.
Identifiers: ClinVar variation 4733715 (VCV004733715.1).
Genomic context (GRCh38, chr15:45,103,962, plus strand): 5'-TGTTTTCCTGTTTGAAACACACCAGGAAGTCTCAGGATTAGAAAGGCACACCCCATACCG[C>T]ATCATGGTGAAGAATTCGTCCTTGGAGAGGAAGCCATTCTCATCCAGGTCATACATGGTA-3'
Protein context (NP_001350640.1, residues 874-894): FLSKDEFFTM[Met884Ile]RSFIEISNNC

ClinVar aggregate classification (germline): Uncertain significance (1 of 4 stars; one submission).

gnomAD v4.1: 1 of 1,614,104 alleles (0.000062%); highest among the groups gnomAD compares: Non-Finnish European, 0.000085%; no homozygotes.

Submission:

Labcorp Genetics (formerly Invitae), Labcorp
Classification: Uncertain significance. Last evaluated: 2026-01-11. Review status: criteria provided, single submitter. Criteria: Invitae Variant Classification Sherloc (09022015). Collection method: clinical testing. Allele origin: germline.
Comment: This sequence change replaces methionine, which is neutral and non-polar, with isoleucine, which is neutral and non-polar, at codon 884 of the DUOX2 protein (p.Met884Ile). This variant is not present in population databases (gnomAD no frequency). This variant has not been reported in the literature in individuals affected with DUOX2-related conditions. An algorithm developed to predict the effect of missense changes on protein structure and function outputs the following: PolyPhen-2: "Benign". The isoleucine amino acid residue is found in multiple mammalian species, which suggests that this missense change does not adversely affect protein function. In summary, the available evidence is currently insufficient to determine the role of this variant in disease. Therefore, it has been classified as a Variant of Uncertain Significance.